The following is an entry in ClinVar:

NM_000154.2(GALK1):c.76del (p.Ala26fs)

Gene: GALK1 (galactokinase 1; minus strand). Cytogenetic location: 17q25.1.
Variant type: Deletion.
Coding change: c.76del on transcript NM_000154.2 (MANE Select); coding-DNA position 76, one base deleted (G; older notation c.76delG).
Protein change: p.Ala26fs; shifts the reading frame from alanine 26.
Molecular consequence: frameshift variant.
Genome position (GRCh38, 1-based): chr17:75,765,061, C deleted on the plus strand (G on the coding strand, the reverse complement: GALK1 is on the minus strand); the first of 4 consecutive C bases (chr17:75,765,061-75,765,064); deleting any one gives the same sequence. VCF-style (leftmost placement, unchanged base first): chr17-75765060-GC-G. GRCh37 (hg19) VCF-style: chr17-73761141-GC-G.
Other names: c.76del, p.Ala26fs (NM_001381985.1); short protein forms A26fs.
Identifiers: ClinVar variation 5013666 (VCV005013666.1).

ClinVar aggregate classification (germline): Pathogenic (1 of 4 stars; one submission).

Conditions:
Deficiency of galactokinase. Also called: GALACTOSEMIA II; Galactokinase deficiency with cataracts. Identifiers: Orphanet 352, Orphanet 79237, MedGen C0268155, MONDO:0009255, OMIM 230200.

Submission:

Myriad Genetics, Inc.
Classification: Pathogenic for Deficiency of galactokinase. Last evaluated: 2024-10-22. Review status: criteria provided, single submitter. Criteria: Myriad Autosomal Dominant, Autosomal Recessive and X-Linked Classification Criteria (2023). Collection method: clinical testing. Allele origin: unknown.
Comment: NM_000154.1(GALK1):c.76delG(A26Pfs*35) is expected to be pathogenic in the context of galactokinase deficiency. This variant is predicted to lead to an abnormal or absent protein product due to the creation of a premature termination codon in GALK1, a gene where loss-of-function variants are known to be pathogenic. Please note: this variant was assessed in the context of healthy population screening.